The following is an entry in ClinVar:

ClinVar aggregate classification (germline): Conflicting classifications of pathogenicity. Review status: criteria provided, conflicting classifications (1 of 4 stars). 2 submissions from 2 submitters: Uncertain significance (1); Likely benign (1). Last evaluated 2025-12-30.

Conditions:
Peroxisome biogenesis disorder. Identifiers: Orphanet 79189, MedGen C1832200, MONDO:0019234. Disease mechanism: loss of function.
PEX6-related disorder. Also called: PEX6-related condition; PEX6-related disorders.

Allele frequency attached by ClinVar (database versions not stated): gnomAD exomes 0.00001 and 0.00002; ExAC 0.00002; gnomAD 0.00002; TOPMed 0.00002.
gnomAD v4.1: 31 of 1,613,774 alleles (0.0019%); highest among the groups gnomAD compares: Non-Finnish European, 0.0025%; 1 homozygote.

Submissions (2):

Labcorp Genetics (formerly Invitae), Labcorp
Classification: Likely benign for Peroxisome biogenesis disorder. Last evaluated: 2025-12-30. Review status: criteria provided, single submitter. Criteria: Invitae Variant Classification Sherloc (09022015). Collection method: clinical testing. Allele origin: germline.

PreventionGenetics, part of Exact Sciences
Classification: Uncertain significance for PEX6-related condition. Last evaluated: 2025-11-07. Review status: criteria provided, single submitter. Criteria: ACMG Guidelines, 2015. Collection method: clinical testing. Allele origin: germline.
Comment: The PEX6 c.2884G>A variant is predicted to result in the amino acid substitution p.Val962Ile. To our knowledge, this variant has not been reported in the literature. This variant is reported in 0.0065% of alleles in individuals of South Asian descent in gnomAD. At this time, the clinical significance of this variant is uncertain due to the absence of conclusive functional and genetic evidence.

NM_000287.4(PEX6):c.2884G>A (p.Val962Ile)

Gene: PEX6 (peroxisomal biogenesis factor 6; minus strand). Cytogenetic location: 6p21.1.
Variant type: single nucleotide variant.
Coding change: c.2884G>A on transcript NM_000287.4 (MANE Select); coding-DNA position 2884, G replaced by A.
Protein change: p.Val962Ile; replaces valine 962 with isoleucine.
Molecular consequence: missense variant. On other transcripts: non-coding transcript variant (1).
Genome position (GRCh38, 1-based): chr6:42,964,394, C>T on the plus strand (G>A on the coding strand, the complement: PEX6 is on the minus strand). VCF-style: chr6-42964394-C-T. GRCh37 (hg19) VCF-style: chr6-42932132-C-T.
Other names: c.2620G>A, p.Val874Ile (NM_001316313.2); c.2884G>A (NM_000287.3); short protein forms V874I, V962I.
Identifiers: ClinVar variation 1487495 (VCV001487495.9), dbSNP rs771029096, ClinGen allele CA3810874.
Genomic context (GRCh38, chr6:42,964,394, plus strand): 5'-CCTAGCAGGCAGCAAACTTGCGCTGGATGCGCTTGTACCGGAGCAGCTCCTGCTCACTGA[C>T]TGAGGGTTGCAGCCGGGCGGCAGCCTGCAGCAAGTCCTCCATGGTGAGCATCAGTGCTGA-3'
Protein context (NP_000278.3, residues 952-972): LQAAARLQPS[Val962Ile]SEQELLRYKR